The following is an entry in ClinVar:

ClinVar aggregate classification (germline): Uncertain significance (1 of 4 stars; one submission).

Conditions:
Microcephaly 16, primary, autosomal recessive (MCPH16). Identifiers: Orphanet 2512, MedGen C4225249, MONDO:0014730, OMIM 616681.

Allele frequency attached by ClinVar (database versions not stated): gnomAD 0.00001; gnomAD exomes 0.00001; ExAC 0.00002; TOPMed 0.00002 and 0.00004.
gnomAD v4.1: 18 of 1,606,414 alleles (0.0011%); highest among the groups gnomAD compares: Middle Eastern, 0.017%; no homozygotes.

Submission:

Baylor Genetics
Classification: Uncertain significance for Microcephaly 16, primary, autosomal recessive. Last evaluated: 2020-02-12. Review status: criteria provided, single submitter. Criteria: ACMG Guidelines, 2015. Collection method: clinical testing. Allele origin: unknown. Affected: yes.
Comment: This variant was determined to be of uncertain significance according to ACMG Guidelines, 2015 [PMID:25741868].

NM_015114.3(ANKLE2):c.2467C>T (p.Arg823Trp)

Gene: ANKLE2 (ankyrin repeat and LEM domain containing 2; minus strand). Cytogenetic location: 12q24.33.
Variant type: single nucleotide variant.
Coding change: c.2467C>T on transcript NM_015114.3 (MANE Select); coding-DNA position 2467, C replaced by T.
Protein change: p.Arg823Trp; replaces arginine 823 with tryptophan.
Molecular consequence: missense variant.
Genome position (GRCh38, 1-based): chr12:132,729,695, G>A on the plus strand (C>T on the coding strand, the complement: ANKLE2 is on the minus strand). VCF-style: chr12-132729695-G-A. GRCh37 (hg19) VCF-style: chr12-133306281-G-A.
Other names: short protein forms R823W.
Identifiers: ClinVar variation 1030463 (VCV001030463.1), dbSNP rs753976276, ClinGen allele CA6895233.